The following is an entry in ClinVar:

NM_000038.6(APC):c.8186A>G (p.Asp2729Gly)

Gene: APC (APC regulator of Wnt signaling pathway; plus strand). Cytogenetic location: 5q22.2.
Variant type: single nucleotide variant.
Coding change: c.8186A>G on transcript NM_000038.6 (MANE Select); coding-DNA position 8186, A replaced by G.
Protein change: p.Asp2729Gly; replaces aspartic acid 2729 with glycine.
Molecular consequence: missense variant.
Genome position (GRCh38, 1-based): chr5:112,843,780, A>G. VCF-style: chr5-112843780-A-G. GRCh37 (hg19) VCF-style: chr5-112179477-A-G.
Other names: c.8186A>G, p.Asp2729Gly (NM_001127510.3, NM_001354895.2); c.8132A>G, p.Asp2711Gly (NM_001127511.3); c.8240A>G, p.Asp2747Gly (NM_001354896.2); c.8216A>G, p.Asp2739Gly (NM_001354897.2); c.8111A>G, p.Asp2704Gly (NM_001354898.2); c.8102A>G, p.Asp2701Gly (NM_001354899.2); c.8063A>G, p.Asp2688Gly (NM_001354900.2); c.8009A>G, p.Asp2670Gly (NM_001354901.2); and 5 more; short protein forms D2569G, D2603G, D2670G, D2688G, D2701G, D2446G, D2628G, D2739G.
Identifiers: ClinVar variation 1374623 (VCV001374623.6), dbSNP rs2150000604, ClinGen allele CA16039101.

ClinVar aggregate classification (germline): Uncertain significance (1 of 4 stars; one submission).

Conditions:
Familial adenomatous polyposis 1 (FAP1). Also called: FAMILIAL ADENOMATOUS POLYPOSIS 1, ATTENUATED; POLYPOSIS, ADENOMATOUS INTESTINAL. Identifiers: MedGen C2713442, MONDO:0021056, OMIM 175100. Disease mechanism: loss of function.

Submission:

Labcorp Genetics (formerly Invitae), Labcorp
Classification: Uncertain significance for Familial adenomatous polyposis 1. Last evaluated: 2021-08-12. Review status: criteria provided, single submitter. Criteria: Invitae Variant Classification Sherloc (09022015). Collection method: clinical testing. Allele origin: germline.
Comment: In summary, the available evidence is currently insufficient to determine the role of this variant in disease. Therefore, it has been classified as a Variant of Uncertain Significance. Algorithms developed to predict the effect of sequence changes on RNA splicing suggest that this variant may create or strengthen a splice site. Algorithms developed to predict the effect of missense changes on protein structure and function are either unavailable or do not agree on the potential impact of this missense change (SIFT: "Deleterious"; PolyPhen-2: "Benign"; Align-GVGD: "Class C15"). This variant has not been reported in the literature in individuals affected with APC-related conditions. This variant is not present in population databases (ExAC no frequency). This sequence change replaces aspartic acid with glycine at codon 2729 of the APC protein (p.Asp2729Gly). The aspartic acid residue is moderately conserved and there is a moderate physicochemical difference between aspartic acid and glycine.